The following is an entry in ClinVar:

NM_000388.4(CASR):c.335T>G (p.Leu112Arg)

Gene: CASR (calcium sensing receptor; plus strand). Cytogenetic location: 3q21.1.
Variant type: single nucleotide variant.
Coding change: c.335T>G on transcript NM_000388.4 (MANE Select); coding-DNA position 335, T replaced by G.
Protein change: p.Leu112Arg; replaces leucine 112 with arginine.
Molecular consequence: missense variant.
Genome position (GRCh38, 1-based): chr3:122,257,230, T>G. VCF-style: chr3-122257230-T-G. GRCh37 (hg19) VCF-style: chr3-121976077-T-G.
Other names: c.335T>G, p.Leu112Arg (NM_001178065.2); short protein forms L112R.
Identifiers: ClinVar variation 4840155 (VCV004840155.1).
Genomic context (GRCh38, chr3:122,257,230, plus strand): 5'-CGCTGGGATACAGGATATTTGACACTTGCAACACCGTTTCTAAGGCCTTGGAAGCCACCC[T>G]GAGTTTTGTTGCTCAAAACAAAATTGATTCTTTGAACCTTGATGAGTTCTGCAACTGCTC-3'
Protein context (NP_000379.3, residues 102-122): NTVSKALEAT[Leu112Arg]SFVAQNKIDS

ClinVar aggregate classification (germline): Likely pathogenic (1 of 4 stars; one submission).

Conditions:
Nephrolithiasis/nephrocalcinosis. Identifiers: MedGen CN580796.

Submission:

Ambry Genetics
Classification: Likely pathogenic for Nephrolithiasis/nephrocalcinosis. Last evaluated: 2026-03-10. Review status: criteria provided, single submitter. Criteria: Ambry Variant Classification Scheme 2023. Collection method: clinical testing. Allele origin: germline.
Comment: The c.335T>G (p.L112R) alteration is located in exon 3 (coding exon 2) of the CASR gene. This alteration results from a T to G substitution at nucleotide position 335, causing the leucine (L) at amino acid position 112 to be replaced by an arginine (R). for autosomal dominant CASR-related hypocalcemia; however, it is unlikely to be causative of autosomal dominant CASR-related hypocalciuric hypercalcemia and autosomal recessive neonatal hyperparathyroidism. This variant was not reported in population-based cohorts in the Genome Aggregation Database (gnomAD). This amino acid position is highly conserved in available vertebrate species. This alteration is predicted to be deleterious by in silico analysis. Based on the available evidence, this alteration is classified as likely pathogenic.